The following is an entry in ClinVar:

ClinVar aggregate classification (germline): Pathogenic/Likely pathogenic. Review status: criteria provided, multiple submitters, no conflicts (2 of 4 stars). 6 submissions from 6 submitters: Pathogenic (3); Likely pathogenic (2). 1 of the submissions does not count toward it. Last evaluated 2026-06-08.

Conditions:
Intellectual disability, X-linked 61 (TOKAS). Also called: TONNE-KALSCHEUER SYNDROME. Identifiers: MedGen C4283894, MONDO:0010506, OMIM 300978.
RLIM-related disorder. Also called: RLIM-related condition.

Submissions (6):

PreventionGenetics, part of Exact Sciences
Classification: Likely pathogenic for RLIM-related condition. Last evaluated: 2026-06-08. Review status: criteria provided, single submitter. Criteria: ACMG Guidelines, 2015. Collection method: clinical testing. Allele origin: germline.
Comment: The RLIM c.1093C>T variant is predicted to result in the amino acid substitution p.Arg365Cys. This variant was reported in two related individuals with Tonne-Kalscheuer syndrome (Frints et al. 2018. PubMed ID: 29728705). This variant has not been reported in a large population database (gnomAD), indicating this variant is rare. This variant is interpreted as likely pathogenic.

Women's Health and Genetics/Laboratory Corporation of America, LabCorp
Classification: Pathogenic for Intellectual disability, X-linked 61. Last evaluated: 2025-11-13. Review status: criteria provided, single submitter. Criteria: LabCorp Variant Classification Summary - May 2015. Collection method: clinical testing. Allele origin: germline.
Comment: Variant summary: RLIM c.1093C>T (p.Arg365Cys) results in a non-conservative amino acid change in the encoded protein sequence. Algorithms developed to predict the effect of missense changes on protein structure and function are either unavailable or do not agree on the potential impact of this missense change. The variant was absent in 183155 control chromosomes. c.1093C>T has been observed in two siblings in one family affected with Intellectual Disability, X-Linked 61 (Frints_2018). this variant has also been detected as a de novo change in a fetus with Increased nuchal translucency and Pleural effusion (Fu_2020). These data indicate that the variant is likely to be associated with disease. Two publications report experimental evidence evaluating an impact on protein function. The most pronounced variant effect results in inability of the mutant protein to rescue rescued the microcephaly phenotype in zebrafish embryos (Frints_2018) and significantly reduced protein expression in lymphoblastoid cells derived from patients (Palmer_2020). ClinVar contains an entry for this variant (Variation ID: 585244). Based on the evidence outlined above, the variant was classified as pathogenic.

Institute of Human Genetics, University of Leipzig Medical Center
Classification: Likely pathogenic for Intellectual disability, X-linked 61. Last evaluated: 2025-03-04. Review status: criteria provided, single submitter. Criteria: ACMG Guidelines, 2015. Collection method: clinical testing. Allele origin: unknown. Inheritance: X-linked recessive inheritance. Affected: yes.
Comment: Criteria applied: PS4_MOD,PM2,PM1_SUP,PP2

GeneDx
Classification: Pathogenic. Last evaluated: 2021-12-23. Review status: criteria provided, single submitter. Criteria: GeneDx Variant Classification Process June 2021. Collection method: clinical testing. Allele origin: germline. Affected: yes.
Comment: Published functional studies demonstrate a damaging effect as the variant failed to rescue the wild type phenotype (Frints et al., 2018); Not observed at significant frequency in large population cohorts (Lek et al., 2016); In silico analysis supports that this missense variant has a deleterious effect on protein structure/function; This variant is associated with the following publications: (PMID: 29728705, 33159883)

CeGaT Center for Human Genetics Tuebingen
Classification: Pathogenic. Last evaluated: 2021-08-01. Review status: criteria provided, single submitter. Criteria: CeGaT Center For Human Genetics Tuebingen Variant Classification Criteria Version 2. Collection method: clinical testing. Allele origin: germline. Affected: yes. Observed: 1 variant allele.

OMIM
Classification: Pathogenic for TONNE-KALSCHEUER SYNDROME. Last evaluated: 2019-10-31. Review status: no assertion criteria provided. Collection method: literature only. Allele origin: germline. Not counted in ClinVar's aggregate classification.

Literature cited by the submitters: PubMed 36307859 (cited by Women's Health and Genetics/Laboratory Corporation of America, LabCorp); PubMed 29728705 (cited by Women's Health and Genetics/Laboratory Corporation of America, LabCorp and OMIM); PubMed 33159883 (cited by Women's Health and Genetics/Laboratory Corporation of America, LabCorp).

NM_016120.4(RLIM):c.1093C>T (p.Arg365Cys)

Gene: RLIM (ring finger protein, LIM domain interacting; minus strand). Cytogenetic location: Xq13.2.
Variant type: single nucleotide variant.
Coding change: c.1093C>T on transcript NM_016120.4 (MANE Select); coding-DNA position 1093, C replaced by T.
Protein change: p.Arg365Cys; replaces arginine 365 with cysteine.
Molecular consequence: missense variant.
Genome position (GRCh38, 1-based): chrX:74,592,222, G>A on the plus strand (C>T on the coding strand, the complement: RLIM is on the minus strand). VCF-style: chrX-74592222-G-A. GRCh37 (hg19) VCF-style: chrX-73812057-G-A.
Other names: c.1093C>T, p.Arg365Cys (NM_183353.3); short protein forms R365C.
Identifiers: ClinVar variation 585244 (VCV000585244.41), dbSNP rs1569309816, ClinGen allele CA413660928.